The following is an entry in ClinVar:

ClinVar aggregate classification (germline): Uncertain significance. Review status: criteria provided, multiple submitters, no conflicts (2 of 4 stars). 2 submissions from 2 submitters: Uncertain significance (2). Last evaluated 2024-07-31.

Submissions (2):

GeneDx
Classification: Uncertain significance. Last evaluated: 2024-07-31. Review status: criteria provided, single submitter. Criteria: GeneDx Variant Classification Process June 2021. Collection method: clinical testing. Allele origin: germline. Affected: yes.
Comment: Not observed at significant frequency in large population cohorts (gnomAD); In silico analysis supports that this missense variant has a deleterious effect on protein structure/function; Has not been previously published as pathogenic or benign to our knowledge

Labcorp Genetics (formerly Invitae), Labcorp
Classification: Uncertain significance. Last evaluated: 2023-11-10. Review status: criteria provided, single submitter. Criteria: Invitae Variant Classification Sherloc (09022015). Collection method: clinical testing. Allele origin: germline.
Comment: This sequence change replaces alanine, which is neutral and non-polar, with proline, which is neutral and non-polar, at codon 246 of the LOX protein (p.Ala246Pro). This variant is not present in population databases (gnomAD no frequency). This variant has not been reported in the literature in individuals affected with LOX-related conditions. Advanced modeling of protein sequence and biophysical properties (such as structural, functional, and spatial information, amino acid conservation, physicochemical variation, residue mobility, and thermodynamic stability) performed at Invitae indicates that this missense variant is expected to disrupt LOX protein function with a positive predictive value of 95%. In summary, the available evidence is currently insufficient to determine the role of this variant in disease. Therefore, it has been classified as a Variant of Uncertain Significance.

NM_002317.7(LOX):c.736G>C (p.Ala246Pro)

Genes: SRFBP1 (serum response factor binding protein 1; plus strand), LOX (lysyl oxidase; minus strand). Cytogenetic location: 5q23.1.
Variant type: single nucleotide variant.
Coding change: c.736G>C on transcript NM_002317.7 (MANE Select); coding-DNA position 736, G replaced by C.
Protein change: p.Ala246Pro; replaces alanine 246 with proline.
Molecular consequence: missense variant. On other transcripts: intron variant (1).
Genome position (GRCh38, 1-based): chr5:122,076,897, C>G on the plus strand (G>C on the coding strand, the complement: LOX is on the minus strand). VCF-style: chr5-122076897-C-G. GRCh37 (hg19) VCF-style: chr5-121412592-C-G.
Other names: c.736G>C (NM_002317.6); c.46G>C, p.Ala16Pro (NM_001178102.2); c.-152+195G>C (NM_001317073.1); short protein forms A16P, A246P.
Identifiers: ClinVar variation 2694855 (VCV002694855.4), dbSNP rs2532914781, ClinGen allele CA360874777.